The following is an entry in ClinVar:

NM_004820.5(CYP7B1):c.823del (p.Tyr275fs)

Gene: CYP7B1 (cytochrome P450 family 7 subfamily B member 1; minus strand). Cytogenetic location: 8q12.3.
Variant type: Deletion.
Coding change: c.823del on transcript NM_004820.5 (MANE Select); coding-DNA position 823, one base deleted (T; older notation c.823delT).
Protein change: p.Tyr275fs; shifts the reading frame from tyrosine 275.
Molecular consequence: frameshift variant.
Genome position (GRCh38, 1-based): chr8:64,615,718, A deleted on the plus strand (T on the coding strand, the reverse complement: CYP7B1 is on the minus strand); the first of 2 consecutive A bases (chr8:64,615,718-64,615,719); deleting either gives the same sequence. VCF-style (leftmost placement, unchanged base first): chr8-64615717-TA-T. GRCh37 (hg19) VCF-style: chr8-65528274-TA-T.
Other names: c.823del, p.Tyr275fs (NM_001324112.2); short protein forms Y275fs.
Identifiers: ClinVar variation 663703 (VCV000663703.6), dbSNP rs1585808059, ClinGen allele CA915945729.

ClinVar aggregate classification (germline): Pathogenic (1 of 4 stars; one submission).

Conditions:
Spastic paraplegia. Identifiers: MedGen C0037772, HP:0001258.

Submission:

Labcorp Genetics (formerly Invitae), Labcorp
Classification: Pathogenic for Spastic paraplegia. Last evaluated: 2022-11-15. Review status: criteria provided, single submitter. Criteria: Invitae Variant Classification Sherloc (09022015). Collection method: clinical testing. Allele origin: germline.
Comment: This sequence change creates a premature translational stop signal (p.Tyr275Metfs*8) in the CYP7B1 gene. It is expected to result in an absent or disrupted protein product. Loss-of-function variants in CYP7B1 are known to be pathogenic (PMID: 9802883, 19363635, 19439420, 21541746, 21567895, 28039895). This variant is not present in population databases (gnomAD no frequency). This variant has not been reported in the literature in individuals affected with CYP7B1-related conditions. ClinVar contains an entry for this variant (Variation ID: 663703). For these reasons, this variant has been classified as Pathogenic.

Literature cited by the submitters: PubMed 9802883; PubMed 19363635; PubMed 19439420; PubMed 21541746; PubMed 21567895; PubMed 28039895.